The following is an entry in ClinVar:

ClinVar aggregate classification (germline): Uncertain significance (1 of 4 stars; one submission).

Conditions:
Inborn genetic diseases. Identifiers: MedGen C0950123, MeSH D030342.

Allele frequency attached by ClinVar (database versions not stated): gnomAD exomes below 0.00001.
gnomAD v4.1: 1 of 1,614,114 alleles (0.000062%); highest among the groups gnomAD compares: Non-Finnish European, 0.000085%; no homozygotes.

Submission:

Ambry Genetics
Classification: Uncertain significance for Inborn genetic diseases. Last evaluated: 2022-07-26. Review status: criteria provided, single submitter. Criteria: Ambry Variant Classification Scheme 2023. Collection method: clinical testing. Allele origin: germline.
Comment: The p.C2201S variant (also known as c.6601T>A), located in coding exon 45 of the LRRK2 gene, results from a T to A substitution at nucleotide position 6601. The cysteine at codon 2201 is replaced by serine, an amino acid with dissimilar properties. This amino acid position is conserved. In addition, this alteration is predicted to be tolerated by in silico analysis. Since supporting evidence is limited at this time, the clinical significance of this alteration remains unclear.

NM_198578.4(LRRK2):c.6601T>A (p.Cys2201Ser)

Gene: LRRK2 (leucine rich repeat kinase 2; plus strand). Cytogenetic location: 12q12.
Variant type: single nucleotide variant.
Coding change: c.6601T>A on transcript NM_198578.4 (MANE Select); coding-DNA position 6601, T replaced by A.
Protein change: p.Cys2201Ser; replaces cysteine 2201 with serine.
Molecular consequence: missense variant.
Genome position (GRCh38, 1-based): chr12:40,354,323, T>A. VCF-style: chr12-40354323-T-A. GRCh37 (hg19) VCF-style: chr12-40748125-T-A.
Other names: short protein forms C2201S.
Identifiers: ClinVar variation 1754423 (VCV001754423.2), dbSNP rs2499993249, ClinGen allele CA384408816.